The following is an entry in ClinVar:

ClinVar aggregate classification (germline): Likely benign. Review status: criteria provided, multiple submitters, no conflicts (2 of 4 stars). 3 submissions from 3 submitters: Likely benign (3). Last evaluated 2025-10-23.

Conditions:
TRPM1-related disorder. Also called: TRPM1-related condition.

Allele frequency attached by ClinVar (database versions not stated): ExAC 0.00002; gnomAD exomes 0.00003 and 0.00012; gnomAD 0.00004; TOPMed 0.00005.
gnomAD v4.1: 174 of 1,614,136 alleles (0.011%); highest among the groups gnomAD compares: Non-Finnish European, 0.015%; no homozygotes.

Submissions (3):

Labcorp Genetics (formerly Invitae), Labcorp
Classification: Likely benign. Last evaluated: 2025-10-23. Review status: criteria provided, single submitter. Criteria: Invitae Variant Classification Sherloc (09022015). Collection method: clinical testing. Allele origin: germline.

PreventionGenetics, part of Exact Sciences
Classification: Likely benign for TRPM1-related condition. Last evaluated: 2025-03-27. Review status: criteria provided, single submitter. Criteria: ACMG Guidelines, 2015. Collection method: clinical testing. Allele origin: germline.
Comment: This variant is classified as likely benign based on ACMG/AMP sequence variant interpretation guidelines (Richards et al. 2015 PMID: 25741868, with internal and published modifications).

Blueprint Genetics
Classification: Likely benign. Last evaluated: 2022-09-05. Review status: criteria provided, single submitter. Criteria: ACMG Guidelines, 2015. Collection method: clinical testing. Allele origin: germline.

NM_001252024.2(TRPM1):c.2520A>G (p.Thr840=)

Gene: TRPM1 (transient receptor potential cation channel subfamily M member 1; minus strand). Cytogenetic location: 15q13.3.
Variant type: single nucleotide variant.
Coding change: c.2520A>G on transcript NM_001252024.2 (MANE Select); coding-DNA position 2520, A replaced by G.
Protein change: p.Thr840=; no amino-acid change (threonine 840 retained).
Molecular consequence: synonymous variant.
Genome position (GRCh38, 1-based): chr15:31,037,762, T>C on the plus strand (A>G on the coding strand, the complement: TRPM1 is on the minus strand). VCF-style: chr15-31037762-T-C. GRCh37 (hg19) VCF-style: chr15-31329965-T-C.
Other names: c.2571A>G, p.Thr857= (NM_001252020.2); c.2454A>G, p.Thr818= (NM_002420.6); c.2571A>G (NM_001252020.1).
Identifiers: ClinVar variation 1086543 (VCV001086543.11), dbSNP rs750223454, ClinGen allele CA7452171.